The following is an entry in ClinVar:

NM_001386140.1(MTTP):c.2252_2253del (p.Ile751fs)

Gene: MTTP (microsomal triglyceride transfer protein; plus strand). Cytogenetic location: 4q23.
Variant type: Microsatellite.
Coding change: c.2252_2253del on transcript NM_001386140.1 (MANE Select); coding-DNA positions 2252 to 2253, 2 bases deleted (TA; older notation c.2252_2253delTA).
Protein change: p.Ile751fs; shifts the reading frame from isoleucine 751.
Molecular consequence: frameshift variant.
Genome position (GRCh38, 1-based): chr4:99,619,008-99,619,009, TA deleted; deleting any 2 consecutive bases within chr4:99,619,005-99,619,009 gives the same sequence; the c. name uses the placement nearest the transcript's 3' end. VCF-style (leftmost placement, unchanged base first): chr4-99619004-AAT-A. GRCh37 (hg19) VCF-style: chr4-100540161-AAT-A.
Other names: c.2252_2253del, p.Ile751fs (NM_000253.4); c.2003_2004del, p.Ile668fs (NM_001300785.2); short protein forms I668fs, I751fs.
Identifiers: ClinVar variation 5013081 (VCV005013081.1).

ClinVar aggregate classification (germline): Pathogenic (1 of 4 stars; one submission).

Conditions:
Abetalipoproteinaemia (ABL). Also called: MTP DEFICIENCY; Abetalipoproteinemia; Abetalipoproteinemia neuropathy; Apolipoprotein B deficiency; Congenital betalipoprotein deficiency syndrome. Identifiers: Orphanet 14, MedGen C0000744, MONDO:0008692, OMIM 200100, HP:0008181.

Submission:

Myriad Genetics, Inc.
Classification: Pathogenic for Abetalipoproteinaemia. Last evaluated: 2024-05-21. Review status: criteria provided, single submitter. Criteria: Myriad Autosomal Dominant, Autosomal Recessive and X-Linked Classification Criteria (2023). Collection method: clinical testing. Allele origin: unknown.
Comment: NM_000253.2(MTTP):c.2252_2253delTA(I751Rfs*9) is expected to be pathogenic in the context of abetalipoproteinemia. This variant is predicted to lead to an abnormal or absent protein product due to the creation of a premature termination codon in MTTP, a gene where loss-of-function variants are known to be pathogenic. Please note: this variant was assessed in the context of healthy population screening.